The following is an entry in ClinVar:

NM_001164277.2(SLC37A4):c.515C>T (p.Ser172Phe)

Gene: SLC37A4 (solute carrier family 37 member 4; minus strand). Cytogenetic location: 11q23.3.
Variant type: single nucleotide variant.
Coding change: c.515C>T on transcript NM_001164277.2 (MANE Select); coding-DNA position 515, C replaced by T.
Protein change: p.Ser172Phe; replaces serine 172 with phenylalanine.
Molecular consequence: missense variant.
Genome position (GRCh38, 1-based): chr11:119,027,739, G>A on the plus strand (C>T on the coding strand, the complement: SLC37A4 is on the minus strand). VCF-style: chr11-119027739-G-A. GRCh37 (hg19) VCF-style: chr11-118898449-G-A.
Other names: c.515C>T, p.Ser172Phe (NM_001164278.2, NM_001164280.2, NM_001467.6); c.296C>T, p.Ser99Phe (NM_001164279.2); short protein forms S172F, S99F.
Identifiers: ClinVar variation 581571 (VCV000581571.18), dbSNP rs750732128, ClinGen allele CA6311821.
Genomic context (GRCh38, chr11:119,027,739, plus strand): 5'-CAGGTTCATTGTGGATGAGCAGGAGACAGAGGAAGGAGACAACCACACCACAGTGCCCCA[G>A]ATAGGGCCAGCGTGCTGCGCCAGCTGTAGCTCTGGGCAAGGATGGTTGCCAGGATAGGGC-3'
Protein context (NP_001157749.1, residues 162-182): SYSWRSTLAL[Ser172Phe]GALCVVVSFL

ClinVar aggregate classification (germline): Uncertain significance. Review status: criteria provided, multiple submitters, no conflicts (2 of 4 stars). 6 submissions from 6 submitters: Uncertain significance (5). 1 of the submissions does not count toward it. Last evaluated 2025-10-21.

Conditions:
Inborn genetic diseases. Identifiers: MedGen C0950123, MeSH D030342.
Glucose-6-phosphate transport defect (GSD1B). Also called: GSD Ib; Glycogen Storage Disease Type Ib. Identifiers: Orphanet 364, Orphanet 79259, MedGen C0268146, MONDO:0009288, OMIM 232220.
Congenital disorder of glycosylation, type IIw. Identifiers: MedGen C5561986, MONDO:0030437, OMIM 619525.
Phosphate transport defect (GSD1C). Also called: GSD Ic; GLYCOGEN STORAGE DISEASE Ic. Identifiers: Orphanet 364, Orphanet 79259, MedGen C0342749, OMIM 232240.
Glycogen storage disease, type I. Identifiers: Orphanet 364, MedGen C0017920, MONDO:0002413.

Allele frequency attached by ClinVar (database versions not stated): gnomAD 0.00003.

Submissions (6):

Labcorp Genetics (formerly Invitae), Labcorp
Classification: Uncertain significance for Glucose-6-phosphate transport defect. Last evaluated: 2025-10-21. Review status: criteria provided, single submitter. Criteria: Invitae Variant Classification Sherloc (09022015). Collection method: clinical testing. Allele origin: germline.
Comment: This sequence change replaces serine, which is neutral and polar, with phenylalanine, which is neutral and non-polar, at codon 172 of the SLC37A4 protein (p.Ser172Phe). This variant is present in population databases (rs750732128, gnomAD 0.02%). This variant has not been reported in the literature in individuals affected with SLC37A4-related conditions. ClinVar contains an entry for this variant (Variation ID: 581571). Invitae Evidence Modeling of protein sequence and biophysical properties (such as structural, functional, and spatial information, amino acid conservation, physicochemical variation, residue mobility, and thermodynamic stability) indicates that this missense variant is not expected to disrupt SLC37A4 protein function with a negative predictive value of 80%. In summary, the available evidence is currently insufficient to determine the role of this variant in disease. Therefore, it has been classified as a Variant of Uncertain Significance.

Ambry Genetics
Classification: Uncertain significance for Inborn genetic diseases. Last evaluated: 2025-06-07. Review status: criteria provided, single submitter. Criteria: Ambry Variant Classification Scheme 2023. Collection method: clinical testing. Allele origin: germline.

Blueprint Genetics
Classification: Uncertain significance. Last evaluated: 2024-03-26. Review status: criteria provided, single submitter. Criteria: ACMG Guidelines, 2015. Collection method: clinical testing. Allele origin: germline.

Fulgent Genetics
Classification: Uncertain significance for Glucose-6-phosphate transport defect; Phosphate transport defect; Congenital disorder of glycosylation, type IIw. Last evaluated: 2022-05-25. Review status: criteria provided, single submitter. Criteria: ACMG Guidelines, 2015. Collection method: clinical testing. Allele origin: unknown.

Illumina Laboratory Services, Illumina
Classification: Uncertain significance for Glycogen storage disease, type I. Last evaluated: 2018-01-12. Review status: criteria provided, single submitter. Criteria: ICSL Variant Classification Criteria 13 December 2019. Collection method: clinical testing. Allele origin: germline.

Natera, Inc.
Classification: Uncertain significance for Glycogen storage disease type Ib. Last evaluated: 2019-11-11. Review status: no assertion criteria provided. Collection method: clinical testing. Allele origin: germline. Not counted in ClinVar's aggregate classification.